The following is an entry in ClinVar:

ClinVar aggregate classification (germline): Uncertain significance (1 of 4 stars; one submission).

Submission:

GeneDx
Classification: Uncertain significance. Last evaluated: 2024-06-09. Review status: criteria provided, single submitter. Criteria: GeneDx Variant Classification Process June 2021. Collection method: clinical testing. Allele origin: germline. Affected: yes.
Comment: Not observed at significant frequency in large population cohorts (gnomAD); In silico analysis supports that this missense variant has a deleterious effect on protein structure/function; Has not been previously published as pathogenic or benign to our knowledge; In silico analysis suggests this variant may impact gene splicing. In the absence of RNA/functional studies, the actual effect of this sequence change is unknown.

NM_015295.3(SMCHD1):c.1712A>G (p.Asp571Gly)

Gene: SMCHD1 (structural maintenance of chromosomes flexible hinge domain containing 1; plus strand). Cytogenetic location: 18p11.32.
Variant type: single nucleotide variant.
Coding change: c.1712A>G on transcript NM_015295.3 (MANE Select); coding-DNA position 1712, A replaced by G.
Protein change: p.Asp571Gly; replaces aspartic acid 571 with glycine.
Molecular consequence: missense variant.
Genome position (GRCh38, 1-based): chr18:2,703,756, A>G. VCF-style: chr18-2703756-A-G. GRCh37 (hg19) VCF-style: chr18-2703754-A-G.
Other names: short protein forms D571G.
Identifiers: ClinVar variation 3390801 (VCV003390801.1).
Genomic context (GRCh38, chr18:2,703,756, plus strand): 5'-AGCGAATGAAAATTGACAGAGAATTTGCTTTGTGGCTGAAGGACTGTCATGAGAAGTATG[A>G]TAAACAAATAAAATTTACACTTTTTAAGGGAGTAATTACACGTCCTGATCTTCCTTCTAA-3'
Protein context (NP_056110.2, residues 561-581): LWLKDCHEKY[Asp571Gly]KQIKFTLFKG